The following is an entry in ClinVar:

ClinVar aggregate classification (germline): Uncertain significance. Review status: criteria provided, multiple submitters, no conflicts (2 of 4 stars). 2 submissions from 2 submitters: Uncertain significance (2). Last evaluated 2025-12-11.

Conditions:
Inborn genetic diseases. Identifiers: MedGen C0950123, MeSH D030342.
Congenital disorder of deglycosylation (CDDG). Identifiers: MedGen C3808991, MONDO:0031376.

Allele frequency attached by ClinVar (database versions not stated): ExAC 0.00001; TOPMed 0.00002; gnomAD exomes below 0.00001; gnomAD 0.00001; 1000 Genomes Project 30x 0.00016; 1000 Genomes Project 0.00020.

Submissions (2):

Ambry Genetics
Classification: Uncertain significance for Inborn genetic diseases. Last evaluated: 2025-12-11. Review status: criteria provided, single submitter. Criteria: Ambry Variant Classification Scheme 2023. Collection method: clinical testing. Allele origin: germline.

Labcorp Genetics (formerly Invitae), Labcorp
Classification: Uncertain significance for Congenital disorder of deglycosylation. Last evaluated: 2021-10-03. Review status: criteria provided, single submitter. Criteria: Invitae Variant Classification Sherloc (09022015). Collection method: clinical testing. Allele origin: germline.
Comment: This sequence change replaces serine with asparagine at codon 566 of the NGLY1 protein (p.Ser566Asn). The serine residue is weakly conserved and there is a small physicochemical difference between serine and asparagine. This variant is present in population databases (rs150599828, ExAC 0.01%). This variant has not been reported in the literature in individuals affected with NGLY1-related conditions. Algorithms developed to predict the effect of missense changes on protein structure and function output the following: SIFT: "Tolerated"; PolyPhen-2: "Benign"; Align-GVGD: "Class C0". The asparagine amino acid residue is found in multiple mammalian species, which suggests that this missense change does not adversely affect protein function. In summary, the available evidence is currently insufficient to determine the role of this variant in disease. Therefore, it has been classified as a Variant of Uncertain Significance.

NM_018297.4(NGLY1):c.1697G>A (p.Ser566Asn)

Gene: NGLY1 (N-glycanase 1; minus strand). Cytogenetic location: 3p24.2.
Variant type: single nucleotide variant.
Coding change: c.1697G>A on transcript NM_018297.4 (MANE Select); coding-DNA position 1697, G replaced by A.
Protein change: p.Ser566Asn; replaces serine 566 with asparagine.
Molecular consequence: missense variant. On other transcripts: intron variant (1).
Genome position (GRCh38, 1-based): chr3:25,720,106, C>T on the plus strand (G>A on the coding strand, the complement: NGLY1 is on the minus strand). VCF-style: chr3-25720106-C-T. GRCh37 (hg19) VCF-style: chr3-25761597-C-T.
Other names: c.1643G>A, p.Ser548Asn (NM_001145293.2); c.1571G>A, p.Ser524Asn (NM_001145294.2); c.1612-471G>A (NM_001145295.2); short protein forms S566N, S524N, S548N.
Identifiers: ClinVar variation 954117 (VCV000954117.5), dbSNP rs150599828, ClinGen allele CA2289095.
Genomic context (GRCh38, chr3:25,720,106, plus strand): 5'-CGCAATTTCCATTCTACTGTTCCAGTCTGAAAAGTTTGACTACTTGTTCTAATAGAAATG[C>T]TATCTACTTTTAGGCCAACTGACCCACACTCAAACTTCCAGGAAATATAAGCAAAAGATG-3'
Protein context (NP_060767.2, residues 556-576): ECGSVGLKVD[Ser566Asn]ISIRTSSQTF